The following is an entry in ClinVar:

ClinVar aggregate classification (germline): Benign/Likely benign. Review status: criteria provided, multiple submitters, no conflicts (2 of 4 stars). 2 submissions from 2 submitters: Benign (1); Likely benign (1). Last evaluated 2025-10-01.

Allele frequency attached by ClinVar (database versions not stated): 1000 Genomes Project 30x 0.00031; 1000 Genomes Project 0.00040; TOPMed 0.00056; ESP Exome Variant Server 0.00092; gnomAD exomes 0.00092 and 0.00144; ExAC 0.00143; gnomAD 0.00147 and 0.00155.
gnomAD v4.1: 1,569 of 1,614,168 alleles (0.097%); highest among the groups gnomAD compares: Non-Finnish European, 0.079%; 7 homozygotes.

Submissions (2):

CeGaT Center for Human Genetics Tuebingen
Classification: Likely benign. Last evaluated: 2025-10-01. Review status: criteria provided, single submitter. Criteria: CeGaT Center For Human Genetics Tuebingen Variant Classification Criteria Version 2. Collection method: clinical testing. Allele origin: germline. Affected: yes. Observed: 3 variant alleles.
Comment: MC2R: BP4, BP7

Labcorp Genetics (formerly Invitae), Labcorp
Classification: Benign. Last evaluated: 2019-12-31. Review status: criteria provided, single submitter. Criteria: Invitae Variant Classification Sherloc (09022015). Collection method: clinical testing. Allele origin: germline.

NM_000529.2(MC2R):c.318C>T (p.Ile106=)

Gene: MC2R (melanocortin 2 receptor; minus strand). Cytogenetic location: 18p11.21.
Variant type: single nucleotide variant.
Coding change: c.318C>T on transcript NM_000529.2 (MANE Select); coding-DNA position 318, C replaced by T.
Protein change: p.Ile106=; no amino-acid change (isoleucine 106 retained).
Molecular consequence: synonymous variant.
Genome position (GRCh38, 1-based): chr18:13,885,201, G>A on the plus strand (C>T on the coding strand, the complement: MC2R is on the minus strand). VCF-style: chr18-13885201-G-A. GRCh37 (hg19) VCF-style: chr18-13885200-G-A.
Other names: c.318C>T, p.Ile106= (NM_001291911.1).
Identifiers: ClinVar variation 80762 (VCV000080762.33), dbSNP rs147706299, ClinGen allele CA8902509.